The following is an entry in ClinVar:

NM_001130698.2(TRPC3):c.115G>T (p.Gly39Cys)

Gene: TRPC3 (transient receptor potential cation channel subfamily C member 3; minus strand). Cytogenetic location: 4q27.
Variant type: single nucleotide variant.
Coding change: c.115G>T on transcript NM_001130698.2 (MANE Select); coding-DNA position 115, G replaced by T.
Protein change: p.Gly39Cys; replaces glycine 39 with cysteine.
Molecular consequence: missense variant.
Genome position (GRCh38, 1-based): chr4:121,951,566, C>A on the plus strand (G>T on the coding strand, the complement: TRPC3 is on the minus strand). VCF-style: chr4-121951566-C-A. GRCh37 (hg19) VCF-style: chr4-122872721-C-A.
Other names: c.115G>T, p.Gly39Cys (NM_001366479.2); short protein forms G39C.
Identifiers: ClinVar variation 2966575 (VCV002966575.3), dbSNP rs1169143600, ClinGen allele CA358053192.

ClinVar aggregate classification (germline): Uncertain significance (1 of 4 stars; one submission).

gnomAD v4.1: 1 of 1,446,810 alleles (0.000069%); highest among the groups gnomAD compares: Non-Finnish European, 0.000091%; no homozygotes.

Submission:

Labcorp Genetics (formerly Invitae), Labcorp
Classification: Uncertain significance. Last evaluated: 2022-12-09. Review status: criteria provided, single submitter. Criteria: Invitae Variant Classification Sherloc (09022015). Collection method: clinical testing. Allele origin: germline.
Comment: This sequence change replaces glycine, which is neutral and non-polar, with cysteine, which is neutral and slightly polar, at codon 39 of the TRPC3 protein (p.Gly39Cys). In summary, the available evidence is currently insufficient to determine the role of this variant in disease. Therefore, it has been classified as a Variant of Uncertain Significance. Algorithms developed to predict the effect of missense changes on protein structure and function are either unavailable or do not agree on the potential impact of this missense change (SIFT: "Deleterious"; PolyPhen-2: "Probably Damaging"; Align-GVGD: "Class C0"). This variant has not been reported in the literature in individuals affected with TRPC3-related conditions. This variant is not present in population databases (gnomAD no frequency).